The following is an entry in ClinVar:

ClinVar aggregate classification (germline): Benign/Likely benign. Review status: criteria provided, multiple submitters, no conflicts (2 of 4 stars). 8 submissions from 8 submitters: Benign (1); Likely benign (6). 1 of the submissions does not count toward it. Last evaluated 2026-08-01.

Conditions:
ABAT-related disorder. Also called: ABAT-related condition.
Gamma-aminobutyric acid transaminase deficiency (GABATD). Also called: GABA aminotransaminase deficiency; GABA transaminase deficiency; Gamma aminobutyrate transaminase deficiency; 4 alpha aminobutyrate transaminase deficiency. Identifiers: Orphanet 2066, MedGen C0342708, MONDO:0013166, OMIM 613163.

Allele frequency attached by ClinVar (database versions not stated): 1000 Genomes Project 0.00080; 1000 Genomes Project 30x 0.00109; TOPMed 0.00177; gnomAD 0.00219 and 0.00221; gnomAD exomes 0.00240 and 0.00279; ExAC 0.00251; ESP Exome Variant Server 0.00254.
gnomAD v4.1: 4,388 of 1,614,082 alleles (0.27%); highest among the groups gnomAD compares: Non-Finnish European, 0.31%; 13 homozygotes.

Submissions (8):

CeGaT Center for Human Genetics Tuebingen
Classification: Likely benign. Last evaluated: 2026-08-01. Review status: criteria provided, single submitter. Criteria: CeGaT Center For Human Genetics Tuebingen Variant Classification Criteria Version 2. Collection method: clinical testing. Allele origin: germline. Affected: yes. Observed: 22 variant alleles.
Comment: ABAT: BS2

Labcorp Genetics (formerly Invitae), Labcorp
Classification: Likely benign for Gamma-aminobutyric acid transaminase deficiency. Last evaluated: 2026-02-03. Review status: criteria provided, single submitter. Criteria: Invitae Variant Classification Sherloc (09022015). Collection method: clinical testing. Allele origin: germline.

Mayo Clinic Laboratories, Mayo Clinic
Classification: Benign. Last evaluated: 2025-05-20. Review status: criteria provided, single submitter. Criteria: ACMG Guidelines, 2015. Collection method: clinical testing. Allele origin: germline. Observed: 2 variant alleles.
Comment: BS1, BS2

Athena Diagnostics
Classification: Likely benign. Last evaluated: 2018-12-26. Review status: criteria provided, single submitter. Criteria: Athena Diagnostics Criteria. Collection method: clinical testing. Allele origin: germline.

Illumina Laboratory Services, Illumina
Classification: Likely benign for Gamma-aminobutyric acid transaminase deficiency. Last evaluated: 2018-01-13. Review status: criteria provided, single submitter. Criteria: ICSL Variant Classification Criteria 13 December 2019. Collection method: clinical testing. Allele origin: germline.
Comment: This variant was observed in the ICSL laboratory as part of a predisposition screen in an ostensibly healthy population. It had not been previously curated by ICSL or reported in the Human Gene Mutation Database (HGMD: prior to June 1st, 2018), and was therefore a candidate for classification through an automated scoring system. Utilizing variant allele frequency, disease prevalence and penetrance estimates, and inheritance mode, an automated score was calculated to assess if this variant is too frequent to cause the disease. Based on the score and internal cut-off values, a variant classified as likely benign is not then subjected to further curation. The score for this variant resulted in a classification of likely benign for this disease.

Eurofins Ntd Llc (ga)
Classification: Likely benign. Last evaluated: 2015-09-28. Review status: criteria provided, single submitter. Criteria: EGL Classification Definitions 2015. Collection method: clinical testing. Allele origin: germline. Observed: 1 variant allele, 1 heterozygote.

Breakthrough Genomics
Classification: Likely benign. Review status: criteria provided, single submitter. Criteria: ACMG Guidelines, 2015. Collection method: not provided. Allele origin: germline. Inheritance: Autosomal recessive inheritance. Affected: yes.

PreventionGenetics, part of Exact Sciences
Classification: Likely benign for ABAT-related condition. Last evaluated: 2021-01-04. Review status: no assertion criteria provided. Collection method: clinical testing. Allele origin: germline. Not counted in ClinVar's aggregate classification.
Comment: This variant is classified as likely benign based on ACMG/AMP sequence variant interpretation guidelines (Richards et al. 2015 PMID: 25741868, with internal and published modifications).

NM_020686.6(ABAT):c.641T>C (p.Met214Thr)

Gene: ABAT (4-aminobutyrate aminotransferase; plus strand). Cytogenetic location: 16p13.2.
Variant type: single nucleotide variant.
Coding change: c.641T>C on transcript NM_020686.6 (MANE Select); coding-DNA position 641, T replaced by C.
Protein change: p.Met214Thr; replaces methionine 214 with threonine.
Molecular consequence: missense variant.
Genome position (GRCh38, 1-based): chr16:8,768,230, T>C. VCF-style: chr16-8768230-T-C. GRCh37 (hg19) VCF-style: chr16-8862087-T-C.
Other names: p.Met214Thr; c.641T>C, p.Met214Thr (NM_000663.5, NM_001127448.2, NM_001386600.1 and 7 more transcripts); c.578T>C, p.Met193Thr (NM_001386606.1, NM_001386607.1); c.548T>C, p.Met183Thr (NM_001386608.1); c.506T>C, p.Met169Thr (NM_001386610.1, NM_001386611.1); c.443T>C, p.Met148Thr (NM_001386612.1, NM_001386613.1); c.395T>C, p.Met132Thr (NM_001386614.1); c.737T>C, p.Met246Thr (NM_001386615.1); short protein forms M214T, M132T, M148T, M169T, M183T, M193T, M246T.
Identifiers: ClinVar variation 283525 (VCV000283525.54), dbSNP rs149271402, ClinGen allele CA7893235.
Genomic context (GRCh38, chr16:8,768,230, plus strand): 5'-TGACTGATATTTCTTGGTTTTAGGCCCCTGGCTGCCCCGACTACAGCATCCTCTCCTTCA[T>C]GGGCGCGTTCCATGGGAGGACCATGGGTAAGGAGGGACCATTGCGCTCCCAAGGTGGCGT-3'
Protein context (NP_065737.2, residues 204-224): GCPDYSILSF[Met214Thr]GAFHGRTMGC